The following is an entry in ClinVar:

NM_014244.5(ADAMTS2):c.3088+319_3088+320insGCCTGTGTGAGTGGGGGGT

Gene: ADAMTS2 (ADAM metallopeptidase with thrombospondin type 1 motif 2; minus strand). Cytogenetic location: 5q35.3.
Variant type: Insertion.
Coding change: c.3088+319_3088+320insGCCTGTGTGAGTGGGGGGT on transcript NM_014244.5 (MANE Select); bases 319 to 320 of the intron after coding-DNA position 3088, GCCTGTGTGAGTGGGGGGT inserted.
Molecular consequence: intron variant.
Genome position: GRCh38 VCF-style: chr5-179122324-G-GCACAGGCACCCCCCACTCA. GRCh37 (hg19) VCF-style: chr5-178549325-G-GCACAGGCACCCCCCACTCA.
Identifiers: ClinVar variation 682707 (VCV000682707.1), dbSNP rs11268642, ClinGen allele CA133025638.

ClinVar aggregate classification (germline): Benign (1 of 4 stars; one submission).

Submission:

GeneDx
Classification: Benign. Last evaluated: 2018-06-19. Review status: criteria provided, single submitter. Criteria: GeneDx Variant Classification (06012015). Collection method: clinical testing. Allele origin: germline. Affected: yes.
Comment: This variant is considered likely benign or benign based on one or more of the following criteria: it is a conservative change, it occurs at a poorly conserved position in the protein, it is predicted to be benign by multiple in silico algorithms, and/or has population frequency not consistent with disease.